The following is an entry in ClinVar:

NM_033305.3(VPS13A):c.2951T>A (p.Leu984Ter)

Gene: VPS13A (vacuolar protein sorting 13 homolog A; plus strand). Cytogenetic location: 9q21.2.
Variant type: single nucleotide variant.
Coding change: c.2951T>A on transcript NM_033305.3 (MANE Select); coding-DNA position 2951, T replaced by A.
Protein change: p.Leu984Ter; replaces leucine 984 with a stop codon.
Molecular consequence: nonsense.
Genome position (GRCh38, 1-based): chr9:77,281,913, T>A. VCF-style: chr9-77281913-T-A. GRCh37 (hg19) VCF-style: chr9-79896829-T-A.
Other names: c.2951T>A, p.Leu984Ter (NM_001018037.2, NM_001018038.3, NM_015186.4); short protein forms L984*.
Identifiers: ClinVar variation 2577486 (VCV002577486.2), dbSNP rs2537840830, ClinGen allele CA373846238.

ClinVar aggregate classification (germline): Pathogenic (1 of 4 stars; one submission).

Conditions:
VPS13A-related neurodegenerative disease. Also called: VPS13A Disease; LEVINE-CRITCHLEY SYNDROME; Choreoacanthocytosis; ACANTHOCYTOSIS WITH NEUROLOGIC DISORDER; Chorea-acanthocytosis; Choreaacanthocytosis. Identifiers: Orphanet 2388, MedGen C0393576, MONDO:0008695, OMIM 200150.

Submission:

Department of Genetics and Molecular Medicine, Faculty of Medicine, Zanjan University of Medical Sciences
Classification: Pathogenic for VPS13A-related neurodegenerative disease. Review status: criteria provided, single submitter. Criteria: ACMG Guidelines, 2015. Collection method: clinical testing. Allele origin: biparental. Inheritance: Autosomal recessive inheritance. Affected: yes. Observed: 1 homozygote.
Comment: the homozygous nonsense variant c.2951T> A (p.L984*)predicted to lead to a premature truncation of the protein at codon 984 (Table 2). Additionally, this variant was absent in the Iranome database.